The following is an entry in ClinVar:

NM_001783.4(CD79A):c.535G>A (p.Gly179Arg)

Genes: CD79A (CD79a molecule; plus strand), RPS19-CD79A (RPS19-CD79A readthrough; plus strand). Cytogenetic location: 19q13.2.
Variant type: single nucleotide variant.
Coding change: c.535G>A on transcript NM_001783.4 (MANE Select); coding-DNA position 535, G replaced by A.
Protein change: p.Gly179Arg; replaces glycine 179 with arginine.
Molecular consequence: missense variant.
Genome position (GRCh38, 1-based): chr19:41,880,706, G>A. VCF-style: chr19-41880706-G-A. GRCh37 (hg19) VCF-style: chr19-42384773-G-A.
Other names: c.421G>A, p.Gly141Arg (NM_021601.4); short protein forms G141R, G179R.
Identifiers: ClinVar variation 834968 (VCV000834968.5), dbSNP rs782714583, ClinGen allele CA9465655.

ClinVar aggregate classification (germline): Uncertain significance. Review status: criteria provided, multiple submitters, no conflicts (2 of 4 stars). 2 submissions from 2 submitters: Uncertain significance (2). Last evaluated 2022-07-23.

Conditions:
Agammaglobulinemia 3, autosomal recessive (AGM3). Also called: AGAMMAGLOBULINEMIA 3; AGAMMAGLOBULINEMIA, AUTOSOMAL RECESSIVE, DUE TO CD79A DEFECT. Identifiers: MedGen C3150751, MONDO:0013288, OMIM 613501.

Allele frequency attached by ClinVar (database versions not stated): gnomAD 0.00002 and 0.00003; gnomAD exomes 0.00002; TOPMed 0.00002; ExAC 0.00005.
gnomAD v4.1: 48 of 1,546,520 alleles (0.0031%); highest among the groups gnomAD compares: East Asian, 0.012%; no homozygotes.

Submissions (2):

Labcorp Genetics (formerly Invitae), Labcorp
Classification: Uncertain significance for Agammaglobulinemia 3, autosomal recessive. Last evaluated: 2022-07-23. Review status: criteria provided, single submitter. Criteria: Invitae Variant Classification Sherloc (09022015). Collection method: clinical testing. Allele origin: germline.
Comment: This sequence change replaces glycine, which is neutral and non-polar, with arginine, which is basic and polar, at codon 179 of the CD79A protein (p.Gly179Arg). The frequency data for this variant in the population databases is considered unreliable, as metrics indicate poor data quality at this position in the gnomAD database. This variant has not been reported in the literature in individuals affected with CD79A-related conditions. ClinVar contains an entry for this variant (Variation ID: 834968). Algorithms developed to predict the effect of missense changes on protein structure and function output the following: SIFT: "Tolerated"; PolyPhen-2: "Benign"; Align-GVGD: "Class C0". The arginine amino acid residue is found in multiple mammalian species, which suggests that this missense change does not adversely affect protein function. Algorithms developed to predict the effect of sequence changes on RNA splicing suggest that this variant may create or strengthen a splice site. In summary, the available evidence is currently insufficient to determine the role of this variant in disease. Therefore, it has been classified as a Variant of Uncertain Significance.

Fulgent Genetics
Classification: Uncertain significance for Agammaglobulinemia 3, autosomal recessive. Last evaluated: 2021-10-19. Review status: criteria provided, single submitter. Criteria: ACMG Guidelines, 2015. Collection method: clinical testing. Allele origin: unknown.